The following is an entry in ClinVar:

ClinVar aggregate classification (germline): Likely benign. Review status: criteria provided, multiple submitters, no conflicts (2 of 4 stars). 2 submissions from 2 submitters: Likely benign (2). Last evaluated 2024-04-16.

Conditions:
Familial hypercholesterolemia. Also called: Familial hypercholesterolemias; Familial hypercholesterolaemia. Identifiers: MedGen C0020445, MONDO:0005439.
Hypercholesterolemia, autosomal dominant, 3 (FHCL3). Also called: Familial hypercholesterolemia 3; Familial Hypercholesterolemia, Autosomal Dominant, 3; PCSK9-Related Familial Hypercholesterolemia, Autosomal Dominant. Identifiers: MedGen C1863551, MONDO:0011369, OMIM 603776.

Allele frequency attached by ClinVar (database versions not stated): gnomAD below 0.00001 and 0.00001; gnomAD exomes below 0.00001 and 0.00001; ExAC 0.00001.
gnomAD v4.1: 7 of 1,612,018 alleles (0.00043%); highest among the groups gnomAD compares: South Asian, 0.0077%; no homozygotes.

Submissions (2):

All of Us Research Program, National Institutes of Health
Classification: Likely benign for Hypercholesterolemia, autosomal dominant, 3. Last evaluated: 2024-04-16. Review status: criteria provided, single submitter. Criteria: ACMG Guidelines, 2015. Collection method: clinical testing. Allele origin: germline. Inheritance: Autosomal dominant inheritance. Observed: 1 variant allele, 1 heterozygote.
Comment: This study involves interpretation of variants in research participants for the purpose of population health screening. Participant phenotype was not available at the time of variant classification. Additional details can be found in publication PMID: 35346344, PMCID: PMC8962531

Color Diagnostics, LLC DBA Color Health
Classification: Likely benign for Familial hypercholesterolemia. Last evaluated: 2019-12-17. Review status: criteria provided, single submitter. Criteria: ACMG Guidelines, 2015. Collection method: clinical testing. Allele origin: germline.

NM_174936.4(PCSK9):c.1407G>T (p.Arg469=)

Gene: PCSK9 (proprotein convertase subtilisin/kexin type 9; plus strand). Cytogenetic location: 1p32.3.
Variant type: single nucleotide variant.
Coding change: c.1407G>T on transcript NM_174936.4 (MANE Select); coding-DNA position 1407, G replaced by T.
Protein change: p.Arg469=; no amino-acid change (arginine 469 retained).
Molecular consequence: synonymous variant. On other transcripts: non-coding transcript variant (8), intron variant (1).
Genome position (GRCh38, 1-based): chr1:55,058,551, G>T. VCF-style: chr1-55058551-G-T. GRCh37 (hg19) VCF-style: chr1-55524224-G-T.
Other names: c.1530G>T, p.Arg510= (NM_001407240.1); c.1407G>T, p.Arg469= (NM_001407241.1); c.1410G>T, p.Arg470= (NM_001407242.1); c.1350G>T, p.Arg450= (NM_001407243.1); c.1233G>T, p.Arg411= (NM_001407244.1); c.1215G>T, p.Arg405= (NM_001407245.1); c.1032G>T, p.Arg344= (NM_001407246.1); c.1180+1037G>T (NM_001407247.1).
Identifiers: ClinVar variation 921733 (VCV000921733.4), dbSNP rs747317254, ClinGen allele CA036823.